The following is an entry in ClinVar:

NM_006231.4(POLE):c.2378G>T (p.Arg793Leu)

Gene: POLE (DNA polymerase epsilon, catalytic subunit; minus strand). Cytogenetic location: 12q24.33.
Variant type: single nucleotide variant.
Coding change: c.2378G>T on transcript NM_006231.4 (MANE Select); coding-DNA position 2378, G replaced by T.
Protein change: p.Arg793Leu; replaces arginine 793 with leucine.
Molecular consequence: missense variant.
Genome position (GRCh38, 1-based): chr12:132,665,392, C>A on the plus strand (G>T on the coding strand, the complement: POLE is on the minus strand). VCF-style: chr12-132665392-C-A. GRCh37 (hg19) VCF-style: chr12-133241978-C-A.
Other names: short protein forms R793L.
Identifiers: ClinVar variation 473525 (VCV000473525.17), dbSNP rs1422986795, ClinGen allele CA387397528.

ClinVar aggregate classification (germline): Uncertain significance. Review status: criteria provided, multiple submitters, no conflicts (2 of 4 stars). 3 submissions from 3 submitters: Uncertain significance (3). Last evaluated 2025-07-10.

Conditions:
Hereditary cancer-predisposing syndrome. Also called: Neoplastic Syndromes, Hereditary; Tumor predisposition; Hereditary Cancer Syndrome; Hereditary neoplastic syndrome. Identifiers: Orphanet 140162, MedGen C0027672, MeSH D009386, MONDO:0015356.

gnomAD v4.1: 1 of 1,613,776 alleles (0.000062%); no homozygotes.

Submissions (3):

Ambry Genetics
Classification: Uncertain significance for Hereditary cancer-predisposing syndrome. Last evaluated: 2025-07-10. Review status: criteria provided, single submitter. Criteria: Ambry Variant Classification Scheme 2023. Collection method: clinical testing. Allele origin: germline.
Comment: The p.R793L variant (also known as c.2378G>T), located in coding exon 21 of the POLE gene, results from a G to T substitution at nucleotide position 2378. The arginine at codon 793 is replaced by leucine, an amino acid with dissimilar properties. This amino acid position is highly conserved in available vertebrate species. In addition, the in silico prediction for this alteration is inconclusive. Based on the available evidence, the clinical significance of this variant remains unclear.

Labcorp Genetics (formerly Invitae), Labcorp
Classification: Uncertain significance. Last evaluated: 2024-10-31. Review status: criteria provided, single submitter. Criteria: Invitae Variant Classification Sherloc (09022015). Collection method: clinical testing. Allele origin: germline.
Comment: This sequence change replaces arginine, which is basic and polar, with leucine, which is neutral and non-polar, at codon 793 of the POLE protein (p.Arg793Leu). This variant is not present in population databases (gnomAD no frequency). This variant has not been reported in the literature in individuals affected with POLE-related conditions. ClinVar contains an entry for this variant (Variation ID: 473525). Invitae Evidence Modeling of protein sequence and biophysical properties (such as structural, functional, and spatial information, amino acid conservation, physicochemical variation, residue mobility, and thermodynamic stability) indicates that this missense variant is not expected to disrupt POLE protein function with a negative predictive value of 80%. In summary, the available evidence is currently insufficient to determine the role of this variant in disease. Therefore, it has been classified as a Variant of Uncertain Significance.

GeneDx
Classification: Uncertain significance. Last evaluated: 2019-09-26. Review status: criteria provided, single submitter. Criteria: GeneDx Variant Classification Process June 2021. Collection method: clinical testing. Allele origin: germline. Affected: yes.
Comment: Not observed in large population cohorts (Lek 2016); In silico analysis, which includes protein predictors and evolutionary conservation, supports that this variant does not alter protein structure/function; Has not been previously published as pathogenic or benign to our knowledge